The following is an entry in ClinVar:

NM_004544.4(NDUFA10):c.110G>A (p.Arg37His)

Gene: NDUFA10 (NADH:ubiquinone oxidoreductase subunit A10; minus strand). Cytogenetic location: 2q37.3.
Variant type: single nucleotide variant.
Coding change: c.110G>A on transcript NM_004544.4 (MANE Select); coding-DNA position 110, G replaced by A.
Protein change: p.Arg37His; replaces arginine 37 with histidine.
Molecular consequence: missense variant. On other transcripts: non-coding transcript variant (3).
Genome position (GRCh38, 1-based): chr2:240,022,306, C>T on the plus strand (G>A on the coding strand, the complement: NDUFA10 is on the minus strand). VCF-style: chr2-240022306-C-T. GRCh37 (hg19) VCF-style: chr2-240961723-C-T.
Other names: c.110G>A, p.Arg37His (NM_001322019.2, NM_001322020.2, NM_001410987.1); short protein forms R37H.
Identifiers: ClinVar variation 1951413 (VCV001951413.5), dbSNP rs558134843, ClinGen allele CA2201143.

ClinVar aggregate classification (germline): Uncertain significance (1 of 4 stars; one submission).

Allele frequency attached by ClinVar (database versions not stated): TOPMed 0.00001.
gnomAD v4.1: 14 of 1,613,894 alleles (0.00087%); highest among the groups gnomAD compares: Admixed American, 0.0083%; no homozygotes.

Submission:

Labcorp Genetics (formerly Invitae), Labcorp
Classification: Uncertain significance. Last evaluated: 2022-07-05. Review status: criteria provided, single submitter. Criteria: Invitae Variant Classification Sherloc (09022015). Collection method: clinical testing. Allele origin: germline.
Comment: This variant has not been reported in the literature in individuals affected with NDUFA10-related conditions. This variant is present in population databases (rs558134843, gnomAD 0.01%). This sequence change replaces arginine, which is basic and polar, with histidine, which is basic and polar, at codon 37 of the NDUFA10 protein (p.Arg37His). Algorithms developed to predict the effect of missense changes on protein structure and function output the following: SIFT: "Tolerated"; PolyPhen-2: "Benign"; Align-GVGD: "Class C0". The histidine amino acid residue is found in multiple mammalian species, which suggests that this missense change does not adversely affect protein function. In summary, the available evidence is currently insufficient to determine the role of this variant in disease. Therefore, it has been classified as a Variant of Uncertain Significance.